The following is an entry in ClinVar:

NM_024675.4(PALB2):c.2529G>C (p.Glu843Asp)

Gene: PALB2 (partner and localizer of BRCA2; minus strand). Cytogenetic location: 16p12.2.
Variant type: single nucleotide variant.
Coding change: c.2529G>C on transcript NM_024675.4 (MANE Select); coding-DNA position 2529, G replaced by C.
Protein change: p.Glu843Asp; replaces glutamic acid 843 with aspartic acid.
Molecular consequence: missense variant.
Genome position (GRCh38, 1-based): chr16:23,629,261, C>G on the plus strand (G>C on the coding strand, the complement: PALB2 is on the minus strand). VCF-style: chr16-23629261-C-G. GRCh37 (hg19) VCF-style: chr16-23640582-C-G.
Other names: c.2469G>C, p.Glu823Asp (NM_001407296.1); c.2529G>C, p.Glu843Asp (NM_001407298.1, NM_001407299.1, NM_001407300.1 and 2 more transcripts); c.1644G>C, p.Glu548Asp (NM_001407304.1, NM_001407305.1, NM_001407306.1 and 5 more transcripts); c.741G>C, p.Glu247Asp (NM_001407312.1, NM_001407313.1); c.63G>C, p.Glu21Asp (NM_001407314.1); short protein forms E548D, E843D, E21D, E823D, E247D.
Identifiers: ClinVar variation 1977019 (VCV001977019.6), dbSNP rs2142368926, ClinGen allele CA395123838.

ClinVar aggregate classification (germline): Conflicting classifications of pathogenicity. Review status: criteria provided, conflicting classifications (1 of 4 stars). 2 submissions from 2 submitters: Uncertain significance (1); Likely benign (1). Last evaluated 2025-10-13.

Conditions:
Hereditary cancer-predisposing syndrome. Also called: Hereditary Cancer Syndrome; Neoplastic Syndromes, Hereditary; Tumor predisposition; Hereditary neoplastic syndrome. Identifiers: Orphanet 140162, MedGen C0027672, MeSH D009386, MONDO:0015356.
Familial cancer of breast. Also called: Hereditary breast cancer; BREAST CANCER, FAMILIAL; hereditary breast carcinoma. Identifiers: Orphanet 227535, MedGen C0346153, MONDO:0016419, OMIM 114480. Disease mechanism: loss of function.

Submissions (2):

Ambry Genetics
Classification: Likely benign for Hereditary cancer-predisposing syndrome. Last evaluated: 2025-10-13. Review status: criteria provided, single submitter. Criteria: Ambry Variant Classification Scheme 2023. Collection method: clinical testing. Allele origin: germline.

Labcorp Genetics (formerly Invitae), Labcorp
Classification: Uncertain significance for Familial cancer of breast. Last evaluated: 2022-04-25. Review status: criteria provided, single submitter. Criteria: Invitae Variant Classification Sherloc (09022015). Collection method: clinical testing. Allele origin: germline.
Comment: In summary, the available evidence is currently insufficient to determine the role of this variant in disease. Therefore, it has been classified as a Variant of Uncertain Significance. Algorithms developed to predict the effect of missense changes on protein structure and function output the following: SIFT: "Tolerated"; PolyPhen-2: "Benign"; Align-GVGD: "Class C0". The aspartic acid amino acid residue is found in multiple mammalian species, which suggests that this missense change does not adversely affect protein function. This variant has not been reported in the literature in individuals affected with PALB2-related conditions. This variant is not present in population databases (gnomAD no frequency). This sequence change replaces glutamic acid, which is acidic and polar, with aspartic acid, which is acidic and polar, at codon 843 of the PALB2 protein (p.Glu843Asp).